The following is an entry in ClinVar:

ClinVar aggregate classification (germline): Uncertain significance. Review status: criteria provided, multiple submitters, no conflicts (2 of 4 stars). 2 submissions from 2 submitters: Uncertain significance (2). Last evaluated 2025-08-09.

Conditions:
Inborn genetic diseases. Identifiers: MedGen C0950123, MeSH D030342.

Allele frequency attached by ClinVar (database versions not stated): gnomAD exomes below 0.00001 and 0.00001; gnomAD 0.00001; TOPMed 0.00001.
gnomAD v4.1: 7 of 1,613,794 alleles (0.00043%); highest among the groups gnomAD compares: Admixed American, 0.005%; no homozygotes.

Submissions (2):

Ambry Genetics
Classification: Uncertain significance for Inborn genetic diseases. Last evaluated: 2025-08-09. Review status: criteria provided, single submitter. Criteria: Ambry Variant Classification Scheme 2023. Collection method: clinical testing. Allele origin: germline.

Labcorp Genetics (formerly Invitae), Labcorp
Classification: Uncertain significance. Last evaluated: 2022-07-11. Review status: criteria provided, single submitter. Criteria: Invitae Variant Classification Sherloc (09022015). Collection method: clinical testing. Allele origin: germline.
Comment: This sequence change replaces alanine, which is neutral and non-polar, with valine, which is neutral and non-polar, at codon 20 of the SLC26A3 protein (p.Ala20Val). This variant is present in population databases (no rsID available, gnomAD 0.003%). This variant has not been reported in the literature in individuals affected with SLC26A3-related conditions. ClinVar contains an entry for this variant (Variation ID: 1021362). Advanced modeling of protein sequence and biophysical properties (such as structural, functional, and spatial information, amino acid conservation, physicochemical variation, residue mobility, and thermodynamic stability) performed at Invitae indicates that this missense variant is not expected to disrupt SLC26A3 protein function. In summary, the available evidence is currently insufficient to determine the role of this variant in disease. Therefore, it has been classified as a Variant of Uncertain Significance.

NM_000111.3(SLC26A3):c.59C>T (p.Ala20Val)

Gene: SLC26A3 (solute carrier family 26 member 3; minus strand). Cytogenetic location: 7q22.3.
Variant type: single nucleotide variant.
Coding change: c.59C>T on transcript NM_000111.3 (MANE Select); coding-DNA position 59, C replaced by T.
Protein change: p.Ala20Val; replaces alanine 20 with valine.
Molecular consequence: missense variant.
Genome position (GRCh38, 1-based): chr7:107,794,451, G>A on the plus strand (C>T on the coding strand, the complement: SLC26A3 is on the minus strand). VCF-style: chr7-107794451-G-A. GRCh37 (hg19) VCF-style: chr7-107434896-G-A.
Other names: c.59C>T (NM_000111.2); short protein forms A20V.
Identifiers: ClinVar variation 1021362 (VCV001021362.7), dbSNP rs992381835, ClinGen allele CA164254394.